The following is an entry in ClinVar:

ClinVar aggregate classification (germline): Uncertain significance (1 of 4 stars; one submission).

Conditions:
Alstrom syndrome (ALMS). Identifiers: Orphanet 64, MedGen C0268425, MONDO:0008763, OMIM 203800.

Submission:

Labcorp Genetics (formerly Invitae), Labcorp
Classification: Uncertain significance for Alstrom syndrome. Last evaluated: 2021-07-14. Review status: criteria provided, single submitter. Criteria: Invitae Variant Classification Sherloc (09022015). Collection method: clinical testing. Allele origin: germline.
Comment: In summary, the available evidence is currently insufficient to determine the role of this variant in disease. Therefore, it has been classified as a Variant of Uncertain Significance. Experimental studies and prediction algorithms are not available or were not evaluated, and the functional significance of this variant is currently unknown. This variant has not been reported in the literature in individuals affected with ALMS1-related conditions. This variant is not present in population databases (ExAC no frequency). This sequence change replaces isoleucine with methionine at codon 916 of the ALMS1 protein (p.Ile916Met). The isoleucine residue is weakly conserved and there is a small physicochemical difference between isoleucine and methionine.

NM_001378454.1(ALMS1):c.2745T>G (p.Ile915Met)

Gene: ALMS1 (ALMS1 centrosome and basal body associated protein; plus strand). Cytogenetic location: 2p13.1.
Variant type: single nucleotide variant.
Coding change: c.2745T>G on transcript NM_001378454.1 (MANE Select); coding-DNA position 2745, T replaced by G.
Protein change: p.Ile915Met; replaces isoleucine 915 with methionine.
Molecular consequence: missense variant.
Genome position (GRCh38, 1-based): chr2:73,449,272, T>G. VCF-style: chr2-73449272-T-G. GRCh37 (hg19) VCF-style: chr2-73676399-T-G.
Other names: c.2748T>G, p.Ile916Met (NM_015120.4); short protein forms I915M, I916M.
Identifiers: ClinVar variation 1367427 (VCV001367427.6), dbSNP rs2103776397, ClinGen allele CA347271726.